The following is an entry in ClinVar:

NM_020166.5(MCCC1):c.860A>G (p.Glu287Gly)

Gene: MCCC1 (methylcrotonyl-CoA carboxylase subunit 1; minus strand). Cytogenetic location: 3q27.1.
Variant type: single nucleotide variant.
Coding change: c.860A>G on transcript NM_020166.5 (MANE Select); coding-DNA position 860, A replaced by G.
Protein change: p.Glu287Gly; replaces glutamic acid 287 with glycine.
Molecular consequence: missense variant. On other transcripts: non-coding transcript variant (2).
Genome position (GRCh38, 1-based): chr3:183,057,324, T>C on the plus strand (A>G on the coding strand, the complement: MCCC1 is on the minus strand). VCF-style: chr3-183057324-T-C. GRCh37 (hg19) VCF-style: chr3-182775112-T-C.
Other names: c.509A>G, p.Glu170Gly (NM_001293273.2); c.533A>G, p.Glu178Gly (NM_001363880.1); short protein forms E170G, E178G, E287G.
Identifiers: ClinVar variation 662746 (VCV000662746.6), dbSNP rs1267237320, ClinGen allele CA355327634.

ClinVar aggregate classification (germline): Uncertain significance (1 of 4 stars; one submission).

Conditions:
3-methylcrotonyl-CoA carboxylase 1 deficiency (MCC1D). Also called: MCCD TYPE 1; METHYLCROTONYLGLYCINURIA TYPE I; MCC 1 deficiency; 3 Alpha methylcrotonylglycinuria 1. Identifiers: Orphanet 6, MedGen CN028786, MONDO:0008861, OMIM 210200.

Submission:

Labcorp Genetics (formerly Invitae), Labcorp
Classification: Uncertain significance for 3-methylcrotonyl-CoA carboxylase 1 deficiency. Last evaluated: 2021-08-28. Review status: criteria provided, single submitter. Criteria: Invitae Variant Classification Sherloc (09022015). Collection method: clinical testing. Allele origin: germline.
Comment: This sequence change replaces glutamic acid with glycine at codon 287 of the MCCC1 protein (p.Glu287Gly). The glutamic acid residue is highly conserved and there is a moderate physicochemical difference between glutamic acid and glycine. This variant is not present in population databases (ExAC no frequency). This variant has not been reported in the literature in individuals affected with MCCC1-related conditions. Algorithms developed to predict the effect of missense changes on protein structure and function (SIFT, PolyPhen-2, Align-GVGD) all suggest that this variant is likely to be disruptive. In summary, the available evidence is currently insufficient to determine the role of this variant in disease. Therefore, it has been classified as a Variant of Uncertain Significance.